The following is an entry in ClinVar:

NC_000007.13:g.(?_128480199)_(128481774_?)del

Gene: FLNC (filamin C; plus strand). Cytogenetic location: 7q32.1.
Variant type: Deletion.
Identifiers: ClinVar variation 2424179 (VCV002424179.3).

ClinVar aggregate classification (germline): Likely pathogenic (1 of 4 stars; one submission).

Conditions:
Myofibrillar myopathy 5. Also called: Filaminopathy (type); FILAMINOPATHY, AUTOSOMAL DOMINANT. Identifiers: Orphanet 171445, MedGen C1836050, MONDO:0012289, OMIM 609524.
Distal myopathy with posterior leg and anterior hand involvement. Also called: WILLIAMS DISTAL MYOPATHY. Identifiers: Orphanet 63273, MedGen C3279722, MONDO:0013550, OMIM 614065.
Hypertrophic cardiomyopathy 26. Also called: Cardiomyopathy, familial hypertrophic, 26. Identifiers: Orphanet 75249, MedGen C4310749, MONDO:0014883, OMIM 617047.
Dilated Cardiomyopathy, Dominant.

Submission:

Labcorp Genetics (formerly Invitae), Labcorp
Classification: Likely pathogenic for Distal myopathy with posterior leg and anterior hand involvement; Myofibrillar myopathy 5; Hypertrophic cardiomyopathy 26. Last evaluated: 2023-04-04. Review status: criteria provided, single submitter. Criteria: Invitae Variant Classification Sherloc (09022015). Collection method: clinical testing. Allele origin: germline.
Comment: This variant has not been reported in the literature in individuals affected with FLNC-related conditions. This variant results in the deletion of exons 10-13 and part of exon 9 (c.1534_2121+153delinsGTGAC) of the FLNC gene. It is expected to disrupt RNA splicing. Variants that disrupt the donor or acceptor splice site typically lead to a loss of protein function (PMID: 16199547), and loss-of-function variants in FLNC are known to be pathogenic (PMID: 27908349). In summary, the currently available evidence indicates that the variant is pathogenic, but additional data are needed to prove that conclusively. Therefore, this variant has been classified as Likely Pathogenic.

Literature cited by the submitters: PubMed 16199547; PubMed 27908349.